The following is an entry in ClinVar:

ClinVar aggregate classification (germline): Uncertain significance (1 of 4 stars; one submission).

Submission:

Women's Health and Genetics/Laboratory Corporation of America, LabCorp
Classification: Uncertain significance. Last evaluated: 2023-08-29. Review status: criteria provided, single submitter. Criteria: LabCorp Variant Classification Summary - May 2015. Collection method: clinical testing. Allele origin: germline.
Comment: Variant summary: AGXT c.307G>T (p.Gly103Trp) results in a non-conservative amino acid change located in the Aminotransferase class V domain (IPR000192) of the encoded protein sequence. Five of five in-silico tools predict a damaging effect of the variant on protein function. The variant was absent in 249266 control chromosomes (gnomAD). The available data on variant occurrences in the general population are insufficient to allow any conclusion about variant significance. To our knowledge, no occurrence of c.307G>T in individuals affected with Primary Hyperoxaluria Type 1 and no experimental evidence demonstrating its impact on protein function have been reported. No submitters have cited clinical-significance assessments for this variant to ClinVar after 2014. Based on the evidence outlined above, the variant was classified as uncertain significance.

NM_000030.3(AGXT):c.307G>T (p.Gly103Trp)

Gene: AGXT (alanine--glyoxylate aminotransferase; plus strand). Cytogenetic location: 2q37.3.
Variant type: single nucleotide variant.
Coding change: c.307G>T on transcript NM_000030.3 (MANE Select); coding-DNA position 307, G replaced by T.
Protein change: p.Gly103Trp; replaces glycine 103 with tryptophan.
Molecular consequence: missense variant.
Genome position (GRCh38, 1-based): chr2:240,869,311, G>T. VCF-style: chr2-240869311-G-T. GRCh37 (hg19) VCF-style: chr2-241808728-G-T.
Other names: short protein forms G103W.
Identifiers: ClinVar variation 2581412 (VCV002581412.1), dbSNP rs2106427637, ClinGen allele CA351313778.